The following is an entry in ClinVar:

NM_004055.5(CAPN5):c.510G>A (p.Leu170=)

Gene: CAPN5 (calpain 5; plus strand). Cytogenetic location: 11q13.5.
Variant type: single nucleotide variant.
Coding change: c.510G>A on transcript NM_004055.5 (MANE Select); coding-DNA position 510, G replaced by A.
Protein change: p.Leu170=; no amino-acid change (leucine 170 retained).
Molecular consequence: synonymous variant.
Genome position (GRCh38, 1-based): chr11:77,114,245, G>A. VCF-style: chr11-77114245-G-A. GRCh37 (hg19) VCF-style: chr11-76825291-G-A.
Identifiers: ClinVar variation 1933553 (VCV001933553.5), dbSNP rs782689044, ClinGen allele CA6196464.

ClinVar aggregate classification (germline): Uncertain significance (1 of 4 stars; one submission).

Allele frequency attached by ClinVar (database versions not stated): ExAC 0.00001; gnomAD exomes 0.00001.
gnomAD v4.1: 3 of 1,613,918 alleles (0.00019%); highest among the groups gnomAD compares: East Asian, 0.0067%; no homozygotes.

Submission:

Labcorp Genetics (formerly Invitae), Labcorp
Classification: Uncertain significance. Last evaluated: 2023-04-24. Review status: criteria provided, single submitter. Criteria: Invitae Variant Classification Sherloc (09022015). Collection method: clinical testing. Allele origin: germline.
Comment: Algorithms developed to predict the effect of sequence changes on RNA splicing suggest that this variant may create or strengthen a splice site. ClinVar contains an entry for this variant (Variation ID: 1933553). This variant has not been reported in the literature in individuals affected with CAPN5-related conditions. This variant is present in population databases (rs782689044, gnomAD 0.006%). This sequence change affects codon 170 of the CAPN5 mRNA. It is a 'silent' change, meaning that it does not change the encoded amino acid sequence of the CAPN5 protein. In summary, the available evidence is currently insufficient to determine the role of this variant in disease. Therefore, it has been classified as a Variant of Uncertain Significance.